The following is an entry in ClinVar:

NM_001035.3(RYR2):c.12620C>A (p.Ser4207Ter)

Genes: RYR2 (ryanodine receptor 2; plus strand), LOC126806068 (BRD4-independent group 4 enhancer GRCh37_chr1:237947411-237948610; plus strand). Cytogenetic location: 1q43.
Variant type: single nucleotide variant.
Coding change: c.12620C>A on transcript NM_001035.3 (MANE Select); coding-DNA position 12620, C replaced by A.
Protein change: p.Ser4207Ter; replaces serine 4207 with a stop codon.
Molecular consequence: nonsense.
Genome position (GRCh38, 1-based): chr1:237,784,332, C>A. VCF-style: chr1-237784332-C-A. GRCh37 (hg19) VCF-style: chr1-237947632-C-A.
Other names: short protein forms S4207*.
Identifiers: ClinVar variation 1320907 (VCV001320907.2), dbSNP rs2149354495, ClinGen allele CA345413763.
Genomic context (GRCh38, chr1:237,784,332, plus strand): 5'-AACTCTTTGTGAACTTCTGCGAGGACACCATCTTTGAAATGCAGCTGGCGGCTCAGATCT[C>A]GGAGTCGGACTTGAACGAGAGGTCAGCGAATAAGGAAGAAAGCGAGAAGGAGAGGCCGGA-3'

ClinVar aggregate classification (germline): Uncertain significance (1 of 4 stars; one submission).

Submission:

GeneDx
Classification: Uncertain significance. Last evaluated: 2019-04-25. Review status: criteria provided, single submitter. Criteria: GeneDx Variant Classification Process June 2021. Collection method: clinical testing. Allele origin: germline. Affected: yes.
Comment: Not observed in large population cohorts (Lek et al., 2016); Nonsense variant predicted to result in protein truncation or nonsense mediated decay in a gene for which loss-of-function is not a known mechanism of disease; Has not been previously published as pathogenic or benign to our knowledge